The following is an entry in ClinVar:

ClinVar aggregate classification (germline): Uncertain significance. Review status: criteria provided, multiple submitters, no conflicts (2 of 4 stars). 2 submissions from 2 submitters: Uncertain significance (2). Last evaluated 2024-11-27.

Conditions:
Early-infantile DEE. Also called: Ohtahara syndrome; Early infantile epileptic encephalopathy with suppression bursts; Early infantile epileptic encephalopathy. Identifiers: Orphanet 1934, MedGen C0393706, MONDO:0800491.

Allele frequency attached by ClinVar (database versions not stated): gnomAD 0.00001; gnomAD exomes 0.00001; TOPMed 0.00001; ExAC 0.00002; ESP Exome Variant Server 0.00008.

Submissions (2):

Ambry Genetics
Classification: Uncertain significance. Last evaluated: 2024-11-27. Review status: criteria provided, single submitter. Criteria: Ambry Variant Classification Scheme 2023. Collection method: clinical testing. Allele origin: germline.

Labcorp Genetics (formerly Invitae), Labcorp
Classification: Uncertain significance for Early-infantile DEE. Last evaluated: 2022-11-03. Review status: criteria provided, single submitter. Criteria: Invitae Variant Classification Sherloc (09022015). Collection method: clinical testing. Allele origin: germline.
Comment: In summary, the available evidence is currently insufficient to determine the role of this variant in disease. Therefore, it has been classified as a Variant of Uncertain Significance. Algorithms developed to predict the effect of missense changes on protein structure and function are either unavailable or do not agree on the potential impact of this missense change (SIFT: "Deleterious"; PolyPhen-2: "Probably Damaging"; Align-GVGD: "Class C0"). ClinVar contains an entry for this variant (Variation ID: 1420221). This variant has not been reported in the literature in individuals affected with ARHGEF15-related conditions. The frequency data for this variant in the population databases is considered unreliable, as metrics indicate poor data quality at this position in the gnomAD database. This sequence change replaces arginine, which is basic and polar, with histidine, which is basic and polar, at codon 604 of the ARHGEF15 protein (p.Arg604His).

NM_173728.4(ARHGEF15):c.1811G>A (p.Arg604His)

Gene: ARHGEF15 (Rho guanine nucleotide exchange factor 15; plus strand). Cytogenetic location: 17p13.1.
Variant type: single nucleotide variant.
Coding change: c.1811G>A on transcript NM_173728.4 (MANE Select); coding-DNA position 1811, G replaced by A.
Protein change: p.Arg604His; replaces arginine 604 with histidine.
Molecular consequence: missense variant.
Genome position (GRCh38, 1-based): chr17:8,318,601, G>A. VCF-style: chr17-8318601-G-A. GRCh37 (hg19) VCF-style: chr17-8221919-G-A.
Other names: c.1811G>A, p.Arg604His (NM_025014.2); c.1811G>A (NM_173728.3); short protein forms R604H.
Identifiers: ClinVar variation 1420221 (VCV001420221.9), dbSNP rs143720339, ClinGen allele CA8375319.